The following is an entry in ClinVar:

NM_001184880.2(PCDH19):c.901_906delinsGCCAGTGACAGT (p.Thr301_Gly302delinsAlaSerAspSer)

Gene: PCDH19 (protocadherin 19; minus strand). Cytogenetic location: Xq22.1.
Variant type: Indel.
Coding change: c.901_906delinsGCCAGTGACAGT on transcript NM_001184880.2 (MANE Select); coding-DNA positions 901 to 906, ACTGGC replaced by GCCAGTGACAGT.
Protein change: p.Thr301_Gly302delinsAlaSerAspSer.
Molecular consequence: inframe indel.
Genome position (GRCh38, 1-based): chrX:100,407,692-100,407,697, GCCAGT replaced by ACTGTCACTGGC on the plus strand (ACTGGC replaced by GCCAGTGACAGT on the coding strand, the reverse complement: PCDH19 is on the minus strand). VCF-style: chrX-100407692-GCCAGT-ACTGTCACTGGC. GRCh37 (hg19) VCF-style: chrX-99662690-GCCAGT-ACTGTCACTGGC.
Other names: c.901_906delinsGCCAGTGACAGT, p.Thr301_Gly302delinsAlaSerAspSer (NM_001105243.2, NM_020766.3); c.901_906delACTGGCinsGCCAGTGACAGT (NM_001184880.2).
Identifiers: ClinVar variation 3242193 (VCV003242193.1), dbSNP rs2520988110.

ClinVar aggregate classification (germline): Uncertain significance (1 of 4 stars; one submission).

Conditions:
Developmental and epileptic encephalopathy, 9 (DEE9). Also called: PCDH19-Related X-Linked Female-Limited Epilepsy with Mental Retardation; Early infantile epileptic encephalopathy 9; JUBERG-HELLMAN SYNDROME; EPILEPSY, FEMALE-RESTRICTED, WITH MENTAL RETARDATION. Identifiers: Orphanet 101039, Orphanet 2076, MedGen C1848137, MONDO:0010246, OMIM 300088. Disease mechanism: loss of function.

Submission:

Neuberg Centre For Genomic Medicine, NCGM
Classification: Uncertain significance for Developmental and epileptic encephalopathy, 9. Review status: criteria provided, single submitter. Criteria: ACMG Guidelines, 2015. Collection method: clinical testing. Allele origin: germline. Inheritance: X-linked inheritance. Affected: yes.
Comment: The observed inframe insertion variant c.906_907insAGT (p.Gly302_Ala303insSer) has not been reported previously as a pathogenic variant nor as a benign variant, to our knowledge. The p.Gly302_Ala303insSer variant is absent in gnomAD Exomes database. This variant has not been submitted to the ClinVar database. The insertion of amino acid Ser between amino acids Gly at position 302 and Ala at position 303 changing protein sequence and it might alter its composition and physico-chemical properties. For these reasons, this variant has been classified as a Variant of Uncertain Significance (VUS).